The following is an entry in ClinVar:

ClinVar aggregate classification (germline): Pathogenic (1 of 4 stars; one submission).

Conditions:
Primary ciliary dyskinesia. Also called: Ciliary dyskinesia. Identifiers: Orphanet 244, MedGen C0008780, MONDO:0016575, HP:0012265.

gnomAD v4.1: 1 of 1,606,284 alleles (0.000062%); highest among the groups gnomAD compares: Non-Finnish European, 0.000085%; no homozygotes.

Submission:

Labcorp Genetics (formerly Invitae), Labcorp
Classification: Pathogenic for Primary ciliary dyskinesia. Last evaluated: 2017-07-10. Review status: criteria provided, single submitter. Criteria: Invitae Variant Classification Sherloc (09022015). Collection method: clinical testing. Allele origin: germline.
Comment: For these reasons, this variant has been classified as Pathogenic. Different truncations downstream of this variant (p.Tyr4476Aspfs*8, p.Ser4498Argfs*15) have been determined to be likely pathogenic (Invitae). This suggests that deletion of this region of the DNAH11 protein is causative of disease. This variant has not been reported in the literature in individuals with DNAH11-related disease. This variant is not present in population databases (ExAC no frequency). This sequence change results in a premature translational stop signal in the DNAH11 gene (p.Gln4441*). While this is not anticipated to result in nonsense mediated decay, it is expected to delete the last 76 amino acids of the DNAH11 protein.

NM_001277115.2(DNAH11):c.13321C>T (p.Gln4441Ter)

Genes: CDCA7L (cell division cycle associated 7 like; minus strand), DNAH11 (dynein axonemal heavy chain 11; plus strand). Cytogenetic location: 7p15.3.
Variant type: single nucleotide variant.
Coding change: c.13321C>T on transcript NM_001277115.2 (MANE Select); coding-DNA position 13321, C replaced by T.
Protein change: p.Gln4441Ter; replaces glutamine 4441 with a stop codon.
Molecular consequence: nonsense. On other transcripts: 3 prime UTR variant (3).
Genome position (GRCh38, 1-based): chr7:21,901,024, C>T. VCF-style: chr7-21901024-C-T. GRCh37 (hg19) VCF-style: chr7-21940642-C-T.
Other names: c.*1298G>A (NM_001127370.3, NM_001127371.3, NM_018719.5); short protein forms Q4441*.
Identifiers: ClinVar variation 454658 (VCV000454658.9), dbSNP rs1261703349, ClinGen allele CA366956536.